The following is an entry in ClinVar:

ClinVar aggregate classification (germline): Uncertain significance (1 of 4 stars; one submission).

Conditions:
Wiskott-Aldrich syndrome 2 (WAS2). Also called: WIPF1 DEFICIENCY. Identifiers: Orphanet 906, MedGen C3281001, MONDO:0013779, OMIM 614493.

gnomAD v4.1: 1 of 1,614,168 alleles (0.000062%); highest among the groups gnomAD compares: Admixed American, 0.0017%; no homozygotes.

Submission:

Labcorp Genetics (formerly Invitae), Labcorp
Classification: Uncertain significance for Wiskott-Aldrich syndrome 2. Last evaluated: 2022-12-06. Review status: criteria provided, single submitter. Criteria: Invitae Variant Classification Sherloc (09022015). Collection method: clinical testing. Allele origin: germline.
Comment: ClinVar contains an entry for this variant (Variation ID: 1401989). This sequence change replaces serine, which is neutral and polar, with asparagine, which is neutral and polar, at codon 324 of the WIPF1 protein (p.Ser324Asn). This variant is not present in population databases (gnomAD no frequency). This variant has not been reported in the literature in individuals affected with WIPF1-related conditions. Algorithms developed to predict the effect of missense changes on protein structure and function are either unavailable or do not agree on the potential impact of this missense change (SIFT: "Not Available"; PolyPhen-2: "Benign"; Align-GVGD: "Not Available"). In summary, the available evidence is currently insufficient to determine the role of this variant in disease. Therefore, it has been classified as a Variant of Uncertain Significance.

NM_001375834.1(WIPF1):c.971G>A (p.Ser324Asn)

Gene: WIPF1 (WAS/WASL interacting protein family member 1; minus strand). Cytogenetic location: 2q31.1.
Variant type: single nucleotide variant.
Coding change: c.971G>A on transcript NM_001375834.1 (MANE Select); coding-DNA position 971, G replaced by A.
Protein change: p.Ser324Asn; replaces serine 324 with asparagine.
Molecular consequence: missense variant.
Genome position (GRCh38, 1-based): chr2:174,571,834, C>T on the plus strand (G>A on the coding strand, the complement: WIPF1 is on the minus strand). VCF-style: chr2-174571834-C-T. GRCh37 (hg19) VCF-style: chr2-175436562-C-T.
Other names: c.971G>A, p.Ser324Asn (NM_001077269.1, NM_001375832.1, NM_001375833.1 and 5 more transcripts); c.593G>A, p.Ser198Asn (NM_001375839.1); short protein forms S198N, S324N.
Identifiers: ClinVar variation 1401989 (VCV001401989.6), dbSNP rs1397897929, ClinGen allele CA349340890.
Genomic context (GRCh38, chr2:174,571,834, plus strand): 5'-GACGAACTGAGGGACAGATTCCGCTGTGGGAGTCTTGGGGTTTCGTCATTGCCGCTGGAA[C>T]TTGGAGGCAGAGGAGGCGGCCCGGGCCTGCTGGGAGGTGGCGGCGGAGGTGGGGCCTGTG-3'
Protein context (NP_001362763.1, residues 314-334): SRPGPPPLPP[Ser324Asn]SSGNDETPRL